The following is an entry in ClinVar:

NM_017563.5(IL17RD):c.1262T>C (p.Val421Ala)

Gene: IL17RD (interleukin 17 receptor D; minus strand). Cytogenetic location: 3p14.3.
Variant type: single nucleotide variant.
Coding change: c.1262T>C on transcript NM_017563.5 (MANE Select); coding-DNA position 1262, T replaced by C.
Protein change: p.Val421Ala; replaces valine 421 with alanine.
Molecular consequence: missense variant.
Genome position (GRCh38, 1-based): chr3:57,098,441, A>G on the plus strand (T>C on the coding strand, the complement: IL17RD is on the minus strand). VCF-style: chr3-57098441-A-G. GRCh37 (hg19) VCF-style: chr3-57132469-A-G.
Other names: c.1262T>C, p.Val421Ala (NM_001080973.1); c.830T>C, p.Val277Ala (NM_001318864.2); short protein forms V277A, V421A.
Identifiers: ClinVar variation 2356504 (VCV002356504.4), dbSNP rs201853804, ClinGen allele CA2462774.

ClinVar aggregate classification (germline): Uncertain significance. Review status: criteria provided, multiple submitters, no conflicts (2 of 4 stars). 2 submissions from 2 submitters: Uncertain significance (2). Last evaluated 2025-06-19.

Allele frequency attached by ClinVar (database versions not stated): TOPMed 0.00004; gnomAD 0.00005; ExAC 0.00007; gnomAD exomes 0.00007; ESP Exome Variant Server 0.00008.
gnomAD v4.1: 110 of 1,613,816 alleles (0.0068%); highest among the groups gnomAD compares: Non-Finnish European, 0.0088%; no homozygotes.

Submissions (2):

Women's Health and Genetics/Laboratory Corporation of America, LabCorp
Classification: Uncertain significance. Last evaluated: 2025-06-19. Review status: criteria provided, single submitter. Criteria: LabCorp Variant Classification Summary - May 2015. Collection method: clinical testing. Allele origin: germline.
Comment: Variant summary: IL17RD c.1262T>C (p.Val421Ala) results in a non-conservative amino acid change in the encoded protein sequence. Algorithms developed to predict the effect of missense changes on protein structure and function are either unavailable or do not agree on the potential impact of this missense change. The variant allele was found at a frequency of 3.2e-05 in 251116 control chromosomes. The available data on variant occurrences in the general population are insufficient to allow any conclusion about variant significance. To our knowledge, no occurrence of c.1262T>C in individuals affected with Hypogonadotropic Hypogonadism 18 With Or Without Anosmia and no experimental evidence demonstrating its impact on protein function have been reported. ClinVar contains an entry for this variant (Variation ID: 2356504). Based on the evidence outlined above, the variant was classified as uncertain significance.

Ambry Genetics
Classification: Uncertain significance. Last evaluated: 2025-01-27. Review status: criteria provided, single submitter. Criteria: Ambry Variant Classification Scheme 2023. Collection method: clinical testing. Allele origin: germline.